The following is an entry in ClinVar:

ClinVar aggregate classification (germline): Uncertain significance (1 of 4 stars; one submission).

gnomAD v4.1: 1 of 1,550,006 alleles (0.000065%); highest among the groups gnomAD compares: Middle Eastern, 0.017%; no homozygotes.

Submission:

Labcorp Genetics (formerly Invitae), Labcorp
Classification: Uncertain significance. Last evaluated: 2019-12-27. Review status: criteria provided, single submitter. Criteria: Invitae Variant Classification Sherloc (09022015). Collection method: clinical testing. Allele origin: germline.
Comment: This sequence change replaces glycine with arginine at codon 1237 of the EYS protein (p.Gly1237Arg). The glycine residue is moderately conserved and there is a moderate physicochemical difference between glycine and arginine. This variant is not present in population databases (ExAC no frequency). This variant has not been reported in the literature in individuals with EYS-related conditions. Algorithms developed to predict the effect of missense changes on protein structure and function are either unavailable or do not agree on the potential impact of this missense change (SIFT: "Tolerated"; PolyPhen-2: "Possibly Damaging"; Align-GVGD: "Class C0"). In summary, the available evidence is currently insufficient to determine the role of this variant in disease. Therefore, it has been classified as a Variant of Uncertain Significance.

NM_001142800.2(EYS):c.3709G>C (p.Gly1237Arg)

Gene: EYS (EGF-like photoreceptor maintenance factor; minus strand). Cytogenetic location: 6q12.
Variant type: single nucleotide variant.
Coding change: c.3709G>C on transcript NM_001142800.2 (MANE Select); coding-DNA position 3709, G replaced by C.
Protein change: p.Gly1237Arg; replaces glycine 1237 with arginine.
Molecular consequence: missense variant.
Genome position (GRCh38, 1-based): chr6:64,593,285, C>G on the plus strand (G>C on the coding strand, the complement: EYS is on the minus strand). VCF-style: chr6-64593285-C-G. GRCh37 (hg19) VCF-style: chr6-65303178-C-G.
Other names: c.3709G>C, p.Gly1237Arg (NM_001292009.2); short protein forms G1237R.
Identifiers: ClinVar variation 857957 (VCV000857957.10), dbSNP rs1383398602, ClinGen allele CA364784900.